The following is an entry in ClinVar:

NM_001005522.2(OR2T8):c.459C>T (p.Asp153=)

Gene: OR2T8 (olfactory receptor family 2 subfamily T member 8; plus strand). Cytogenetic location: 1q44.
Variant type: single nucleotide variant.
Coding change: c.459C>T on transcript NM_001005522.2 (MANE Select); coding-DNA position 459, C replaced by T.
Protein change: p.Asp153=; no amino-acid change (aspartic acid 153 retained).
Molecular consequence: synonymous variant.
Genome position (GRCh38, 1-based): chr1:247,921,476, C>T. VCF-style: chr1-247921476-C-T. GRCh37 (hg19) VCF-style: chr1-248084778-C-T.
Identifiers: ClinVar variation 3771176 (VCV003771176.13).

ClinVar aggregate classification (germline): Likely benign (1 of 4 stars; one submission).

gnomAD v4.1: 469 of 1,411,002 alleles (0.033%); highest among the groups gnomAD compares: African/African-American, 0.94%; 1 homozygote.

Submission:

CeGaT Center for Human Genetics Tuebingen
Classification: Likely benign. Last evaluated: 2025-01-01. Review status: criteria provided, single submitter. Criteria: CeGaT Center For Human Genetics Tuebingen Variant Classification Criteria Version 2. Collection method: clinical testing. Allele origin: germline. Affected: yes. Observed: 1 variant allele.
Comment: OR2T8: BP4, BP7